The following is an entry in ClinVar:

NM_001244710.2(GFPT1):c.222C>G (p.His74Gln)

Gene: GFPT1 (glutamine--fructose-6-phosphate transaminase 1; minus strand). Cytogenetic location: 2p13.3.
Variant type: single nucleotide variant.
Coding change: c.222C>G on transcript NM_001244710.2 (MANE Select); coding-DNA position 222, C replaced by G.
Protein change: p.His74Gln; replaces histidine 74 with glutamine.
Molecular consequence: missense variant.
Genome position (GRCh38, 1-based): chr2:69,370,002, G>C on the plus strand (C>G on the coding strand, the complement: GFPT1 is on the minus strand). VCF-style: chr2-69370002-G-C. GRCh37 (hg19) VCF-style: chr2-69597134-G-C.
Other names: c.222C>G, p.His74Gln (NM_002056.4); short protein forms H74Q.
Identifiers: ClinVar variation 3674280 (VCV003674280.2).

ClinVar aggregate classification (germline): Uncertain significance (1 of 4 stars; one submission).

Conditions:
Congenital myasthenic syndrome 12 (CMS12). Also called: MYASTHENIC SYNDROME, CONGENITAL, WITH TUBULAR AGGREGATES 1; Myasthenia, congenital, 12, with tubular aggregates. Identifiers: Orphanet 353327, Orphanet 590, MedGen C3552335, MONDO:0012518, OMIM 610542.

gnomAD v4.1: 101 of 1,522,316 alleles (0.0066%); highest among the groups gnomAD compares: South Asian, 0.11%; no homozygotes.

Submission:

Labcorp Genetics (formerly Invitae), Labcorp
Classification: Uncertain significance for Congenital myasthenic syndrome 12. Last evaluated: 2024-02-28. Review status: criteria provided, single submitter. Criteria: Invitae Variant Classification Sherloc (09022015). Collection method: clinical testing. Allele origin: germline.
Comment: This sequence change replaces histidine, which is basic and polar, with glutamine, which is neutral and polar, at codon 74 of the GFPT1 protein (p.His74Gln). This variant is present in population databases (rs148703894, gnomAD 0.09%). This variant has not been reported in the literature in individuals affected with GFPT1-related conditions. An algorithm developed to predict the effect of missense changes on protein structure and function (PolyPhen-2) suggests that this variant is likely to be tolerated. In summary, the available evidence is currently insufficient to determine the role of this variant in disease. Therefore, it has been classified as a Variant of Uncertain Significance.